The following is an entry in ClinVar:

NM_006904.7(PRKDC):c.8996T>G (p.Leu2999Arg)

Gene: PRKDC (protein kinase, DNA-activated, catalytic subunit; minus strand). Cytogenetic location: 8q11.21.
Variant type: single nucleotide variant.
Coding change: c.8996T>G on transcript NM_006904.7 (MANE Select); coding-DNA position 8996, T replaced by G.
Protein change: p.Leu2999Arg; replaces leucine 2999 with arginine.
Molecular consequence: missense variant.
Genome position (GRCh38, 1-based): chr8:47,821,719, A>C on the plus strand (T>G on the coding strand, the complement: PRKDC is on the minus strand). VCF-style: chr8-47821719-A-C. GRCh37 (hg19) VCF-style: chr8-48734280-A-C.
Other names: c.8996T>G, p.Leu2999Arg (NM_001081640.2); short protein forms L2999R.
Identifiers: ClinVar variation 3425301 (VCV003425301.1).

ClinVar aggregate classification (germline): Uncertain significance (1 of 4 stars; one submission).

Submission:

Ambry Genetics
Classification: Uncertain significance. Last evaluated: 2024-08-18. Review status: criteria provided, single submitter. Criteria: Ambry Variant Classification Scheme 2023. Collection method: clinical testing. Allele origin: germline.
Comment: The p.L2999R variant (also known as c.8996T>G), located in coding exon 65 of the PRKDC gene, results from a T to G substitution at nucleotide position 8996. The leucine at codon 2999 is replaced by arginine, an amino acid with dissimilar properties. This amino acid position is conserved. Based on the available evidence, the clinical significance of this variant remains unclear.